The following is an entry in ClinVar:

ClinVar aggregate classification (germline): Uncertain significance (1 of 4 stars; one submission).

gnomAD v4.1: 1 of 1,612,432 alleles (0.000062%); highest among the groups gnomAD compares: Admixed American, 0.0017%; no homozygotes.

Submission:

GeneDx
Classification: Uncertain significance. Last evaluated: 2024-07-08. Review status: criteria provided, single submitter. Criteria: GeneDx Variant Classification Process June 2021. Collection method: clinical testing. Allele origin: germline. Affected: yes.
Comment: Not observed at significant frequency in large population cohorts (gnomAD); In silico analysis supports that this missense variant has a deleterious effect on protein structure/function; Has not been previously published as pathogenic or benign to our knowledge

NM_206933.4(USH2A):c.9406C>A (p.Pro3136Thr)

Gene: USH2A (usherin; minus strand). Cytogenetic location: 1q41.
Variant type: single nucleotide variant.
Coding change: c.9406C>A on transcript NM_206933.4 (MANE Select); coding-DNA position 9406, C replaced by A.
Protein change: p.Pro3136Thr; replaces proline 3136 with threonine.
Molecular consequence: missense variant.
Genome position (GRCh38, 1-based): chr1:215,817,161, G>T on the plus strand (C>A on the coding strand, the complement: USH2A is on the minus strand). VCF-style: chr1-215817161-G-T. GRCh37 (hg19) VCF-style: chr1-215990503-G-T.
Other names: short protein forms P3136T.
Identifiers: ClinVar variation 3572488 (VCV003572488.1).